The following is an entry in ClinVar:

ClinVar aggregate classification (germline): Pathogenic/Likely pathogenic. Review status: criteria provided, multiple submitters, no conflicts (2 of 4 stars). 7 submissions from 7 submitters: Pathogenic (3); Likely pathogenic (1). 3 of the submissions do not count toward it. Last evaluated 2024-02-14.

Conditions:
Arthrogryposis multiplex congenita 6. Identifiers: MedGen C5543431, MONDO:0030281, OMIM 619334.
Nemaline myopathy 2 (NEM2). Also called: Nemaline myopathy 2, autosomal recessive. Identifiers: MedGen C1850569, MONDO:0009725, OMIM 256030.
Nemaline myopathy. Also called: Myopathies, Nemaline. Identifiers: Orphanet 607, MedGen C0206157, MONDO:0018958.

gnomAD v4.1: 25 of 1,612,738 alleles (0.0016%); highest among the groups gnomAD compares: Non-Finnish European, 0.0019%; no homozygotes.

Submissions (7):

Labcorp Genetics (formerly Invitae), Labcorp
Classification: Pathogenic for Nemaline myopathy 2. Last evaluated: 2024-02-14. Review status: criteria provided, single submitter. Criteria: Invitae Variant Classification Sherloc (09022015). Collection method: clinical testing. Allele origin: germline.
Comment: This sequence change affects a donor splice site in intron 36 of the NEB gene. It is expected to disrupt RNA splicing. Variants that disrupt the donor or acceptor splice site typically lead to a loss of protein function (PMID: 16199547), and loss-of-function variants in NEB are known to be pathogenic (PMID: 25205138). This variant is present in population databases (rs780022652, gnomAD 0.002%). Disruption of this splice site has been observed in individuals with nemaline myopathy (PMID: 25205138). ClinVar contains an entry for this variant (Variation ID: 371210). Algorithms developed to predict the effect of sequence changes on RNA splicing suggest that this variant may disrupt the consensus splice site. For these reasons, this variant has been classified as Pathogenic.

Baylor Genetics
Classification: Pathogenic for Arthrogryposis multiplex congenita 6. Last evaluated: 2023-11-19. Review status: criteria provided, single submitter. Criteria: ACMG Guidelines, 2015. Collection method: clinical testing. Allele origin: unknown.

Women's Health and Genetics/Laboratory Corporation of America, LabCorp
Classification: Likely pathogenic for Nemaline myopathy. Last evaluated: 2021-05-08. Review status: criteria provided, single submitter. Criteria: LabCorp Variant Classification Summary - May 2015. Collection method: clinical testing. Allele origin: germline.
Comment: Variant summary: NEB c.3987+1G>A is located in a canonical splice-site and is predicted to affect mRNA splicing resulting in a significantly altered protein due to either exon skipping, shortening, or inclusion of intronic material. Several computational tools predict a significant impact on normal splicing: Five predict the variant abolishes the canonical 5' splicing donor site. However, these predictions have yet to be confirmed by functional studies. The variant allele was found at a frequency of 8e-06 in 249226 control chromosomes. c.3987+1G>A has been reported in the literature in individuals affected with Nemaline Myopathy 2 (example, Lehtokari_2014). To our knowledge, no experimental evidence demonstrating an impact on protein function has been reported. One clinical diagnostic laboratory has submitted clinical-significance assessments for this variant to ClinVar after 2014 without evidence for independent evaluation and classified the variant as pathogenic. Based on the evidence outlined above, the variant was classified as likely pathogenic.

Revvity Omics, Revvity
Classification: Pathogenic. Last evaluated: 2019-08-09. Review status: criteria provided, single submitter. Criteria: ACMG Guidelines, 2015. Collection method: clinical testing. Allele origin: germline.

Counsyl
Classification: Pathogenic for Nemaline myopathy 2. Last evaluated: 2016-07-29. Review status: no assertion criteria provided. Collection method: clinical testing. Allele origin: unknown. Not counted in ClinVar's aggregate classification.

Clinical Genetics DNA and cytogenetics Diagnostics Lab, Erasmus MC, Erasmus Medical Center
Classification: Likely pathogenic. Review status: no assertion criteria provided. Collection method: clinical testing. Allele origin: germline. Affected: yes. Study: VKGL Data-share Consensus. Not counted in ClinVar's aggregate classification.

Joint Genome Diagnostic Labs from Nijmegen and Maastricht, Radboudumc and MUMC+
Classification: Pathogenic. Review status: no assertion criteria provided. Collection method: clinical testing. Allele origin: germline. Affected: yes. Study: VKGL Data-share Consensus. Not counted in ClinVar's aggregate classification.

Literature cited by the submitters: PubMed 16199547 (cited by Labcorp Genetics (formerly Invitae), Labcorp); PubMed 25205138 (cited by 3 submitters).

NM_001164508.2(NEB):c.3987+1G>A

Gene: NEB (nebulin; minus strand). Cytogenetic location: 2q23.3.
Variant type: single nucleotide variant.
Coding change: c.3987+1G>A on transcript NM_001164508.2 (MANE Select); the canonical splice donor site of the intron after coding-DNA position 3987, G replaced by A.
Molecular consequence: splice donor variant.
Genome position (GRCh38, 1-based): chr2:151,674,476, C>T on the plus strand (G>A on the coding strand, the complement: NEB is on the minus strand). VCF-style: chr2-151674476-C-T. GRCh37 (hg19) VCF-style: chr2-152530990-C-T.
Other names: c.3987+1G>A (NM_004543.5, NM_001164507.2, NM_001271208.2).
Identifiers: ClinVar variation 371210 (VCV000371210.22), dbSNP rs780022652, ClinGen allele CA1910773.